The following is an entry in ClinVar:

ClinVar aggregate classification (germline): Uncertain significance. Review status: criteria provided, multiple submitters, no conflicts (2 of 4 stars). 2 submissions from 2 submitters: Uncertain significance (2). Last evaluated 2023-10-26.

Conditions:
Cardiovascular phenotype. Identifiers: MedGen CN230736.
Primary familial hypertrophic cardiomyopathy (HCM). Identifiers: Orphanet 99739, MedGen C0949658, MeSH D024741, MONDO:0024573. Inheritance: Various modes of inheritance.
Dilated cardiomyopathy 1AA (CMD1AA). Also called: CARDIOMYOPATHY, FAMILIAL HYPERTROPHIC, 23, WITH OR WITHOUT LEFT VENTRICULAR NONCOMPACTION; CARDIOMYOPATHY, DILATED, 1AA, WITH OR WITHOUT LEFT VENTRICULAR NONCOMPACTION; Cardiomyopathy, dilated, 1AA, with or without LVNC. Identifiers: Orphanet 154, MedGen C2677338, MONDO:0012808, OMIM 612158.

Allele frequency attached by ClinVar (database versions not stated): gnomAD exomes 0.00001.
gnomAD v4.1: 6 of 1,614,118 alleles (0.00037%); highest among the groups gnomAD compares: South Asian, 0.0011%; no homozygotes.

Submissions (2):

Ambry Genetics
Classification: Uncertain significance for Cardiovascular phenotype. Last evaluated: 2023-10-26. Review status: criteria provided, single submitter. Criteria: Ambry Variant Classification Scheme 2023. Collection method: clinical testing. Allele origin: germline.
Comment: The p.I198T variant (also known as c.593T>C), located in coding exon 6 of the ACTN2 gene, results from a T to C substitution at nucleotide position 593. The isoleucine at codon 198 is replaced by threonine, an amino acid with similar properties. This amino acid position is conserved. In addition, this alteration is predicted to be deleterious by in silico analysis. Since supporting evidence is limited at this time, the clinical significance of this alteration remains unclear.

Labcorp Genetics (formerly Invitae), Labcorp
Classification: Uncertain significance for Primary familial hypertrophic cardiomyopathy; Dilated cardiomyopathy 1AA. Last evaluated: 2023-05-01. Review status: criteria provided, single submitter. Criteria: Invitae Variant Classification Sherloc (09022015). Collection method: clinical testing. Allele origin: germline.
Comment: In summary, the available evidence is currently insufficient to determine the role of this variant in disease. Therefore, it has been classified as a Variant of Uncertain Significance. Advanced modeling of protein sequence and biophysical properties (such as structural, functional, and spatial information, amino acid conservation, physicochemical variation, residue mobility, and thermodynamic stability) performed at Invitae indicates that this missense variant is expected to disrupt ACTN2 protein function. ClinVar contains an entry for this variant (Variation ID: 1040422). This variant has not been reported in the literature in individuals affected with ACTN2-related conditions. This variant is not present in population databases (gnomAD no frequency). This sequence change replaces isoleucine, which is neutral and non-polar, with threonine, which is neutral and polar, at codon 198 of the ACTN2 protein (p.Ile198Thr).

NM_001103.4(ACTN2):c.593T>C (p.Ile198Thr)

Gene: ACTN2 (actinin alpha 2; plus strand). Cytogenetic location: 1q43.
Variant type: single nucleotide variant.
Coding change: c.593T>C on transcript NM_001103.4 (MANE Select); coding-DNA position 593, T replaced by C.
Protein change: p.Ile198Thr; replaces isoleucine 198 with threonine.
Molecular consequence: missense variant. On other transcripts: 5 prime UTR variant (1).
Genome position (GRCh38, 1-based): chr1:236,727,734, T>C. VCF-style: chr1-236727734-T-C. GRCh37 (hg19) VCF-style: chr1-236891034-T-C.
Other names: c.593T>C, p.Ile198Thr (NM_001278343.2); c.-229T>C (NM_001278344.2); c.593T>C (NM_001103.2); short protein forms I198T.
Identifiers: ClinVar variation 1040422 (VCV001040422.10), dbSNP rs1658596173, ClinGen allele CA345375549.